The following is an entry in ClinVar:

NM_001356.5(DDX3X):c.1028dup (p.Tyr343Ter)

Gene: DDX3X (DEAD-box helicase 3 X-linked; plus strand). Cytogenetic location: Xp11.4.
Variant type: Duplication.
Coding change: c.1028dup on transcript NM_001356.5 (MANE Select); coding-DNA position 1028, one base duplicated (A; older notation c.1028dupA).
Protein change: p.Tyr343Ter; replaces tyrosine 343 with a stop codon.
Molecular consequence: nonsense. On other transcripts: non-coding transcript variant (1).
Genome position (GRCh38, 1-based): chrX:41,345,182, A duplicated. VCF-style (leftmost placement, unchanged base first): chrX-41345181-T-TA. GRCh37 (hg19) VCF-style: chrX-41204434-T-TA.
Other names: c.470dup, p.Tyr157Ter (NM_001363819.1); c.1028dup, p.Tyr343Ter (NM_001193416.3); c.980dup, p.Tyr327Ter (NM_001193417.3); short protein forms Y157*, Y327*, Y343*.
Identifiers: ClinVar variation 4851430 (VCV004851430.1).

ClinVar aggregate classification (germline): Pathogenic (1 of 4 stars; one submission).

Conditions:
Intellectual disability, X-linked 102 (MRXSSB). Also called: Intellectual developmental disorder, X-linked syndromic, Snijders Blok type. Identifiers: Orphanet 457260, MedGen C5393299, MONDO:0010497, OMIM 300958.

Submission:

Institute of Immunology and Genetics Kaiserslautern
Classification: Pathogenic for Intellectual disability, X-linked 102. Last evaluated: 2026-03-31. Review status: criteria provided, single submitter. Criteria: ACMG Guidelines, 2015. Collection method: clinical testing. Allele origin: de novo. Affected: yes.
Comment: ACMG Criteria: PVS1, PS2, PM2; Variant was found de novo in heterozygous state.